The following is an entry in ClinVar:

ClinVar aggregate classification (germline): Likely benign (1 of 4 stars; one submission).

Allele frequency attached by ClinVar (database versions not stated): TOPMed 0.00001; ExAC 0.00004; gnomAD exomes 0.00001; gnomAD 0.00005.

Submission:

CeGaT Center for Human Genetics Tuebingen
Classification: Likely benign. Last evaluated: 2024-02-01. Review status: criteria provided, single submitter. Criteria: CeGaT Center For Human Genetics Tuebingen Variant Classification Criteria Version 2. Collection method: clinical testing. Allele origin: germline. Affected: yes. Observed: 2 variant alleles.
Comment: GYG2: BP4

NM_001079855.2(GYG2):c.1003A>T (p.Thr335Ser)

Gene: GYG2 (glycogenin 2; plus strand). Cytogenetic location: Xp22.33.
Variant type: single nucleotide variant.
Coding change: c.1003A>T on transcript NM_001079855.2 (MANE Select); coding-DNA position 1003, A replaced by T.
Protein change: p.Thr335Ser; replaces threonine 335 with serine.
Molecular consequence: missense variant.
Genome position (GRCh38, 1-based): chrX:2,861,687, A>T. VCF-style: chrX-2861687-A-T. GRCh37 (hg19) VCF-style: chrX-2779728-A-T.
Other names: c.1003A>T, p.Thr335Ser (NM_001184702.2); c.1096A>T, p.Thr366Ser (NM_001184703.2, NM_003918.3); c.538A>T, p.Thr180Ser (NM_001184704.2); short protein forms T180S, T335S, T366S.
Identifiers: ClinVar variation 810492 (VCV000810492.42), dbSNP rs770907618, ClinGen allele CA10337226.